The following is an entry in ClinVar:

NM_017649.5(CNNM2):c.2450dup (p.Met817fs)

Gene: CNNM2 (cyclin and CBS domain divalent metal cation transport mediator 2; plus strand). Cytogenetic location: 10q24.32.
Variant type: Duplication.
Coding change: c.2450dup on transcript NM_017649.5 (MANE Select); coding-DNA position 2450, one base duplicated (T; older notation c.2450dupT).
Protein change: p.Met817fs; shifts the reading frame from methionine 817.
Molecular consequence: frameshift variant.
Genome position (GRCh38, 1-based): chr10:103,077,002, T duplicated. VCF-style (leftmost placement, unchanged base first): chr10-103077001-A-AT. GRCh37 (hg19) VCF-style: chr10-104836758-A-AT.
Other names: c.2384dup, p.Met795fs (NM_199076.3); short protein forms M795fs, M817fs.
Identifiers: ClinVar variation 4883895 (VCV004883895.2).
Genomic context (GRCh38, chr10:103,077,001, plus strand): 5'-TTTGTTTTCTGTGCCATCTTCTGGCCCCAGATCTCAAGACAGCAATACCAAAATGCCTTG[A>AT]TGGCATCCCGGATGGACAAAACCCCCCAGTCTTCAGACAGTGAAAACACTAAAATCGAAT-3'

ClinVar aggregate classification (germline): Uncertain significance (1 of 4 stars; one submission).

Conditions:
Hypomagnesemia, seizures, and impaired intellectual development 1. Also called: Hypomagnesemia, seizures, and intellectual disability 1. Identifiers: Orphanet 34527, MedGen C4225333, MONDO:0020787, OMIM 616418.

Submission:

Dasa
Classification: Uncertain significance for Hypomagnesemia, seizures, and impaired intellectual development 1. Last evaluated: 2025-09-25. Review status: criteria provided, single submitter. Criteria: DASA Assertion Criteria. Collection method: clinical testing. Allele origin: germline.
Comment: NM_017649.5(CNNM2):c.2450dup (p.Met817Ilefs*15) is a frameshift variant in CNNM2 predicted to alter the reading frame and introduce a premature termination codon and is predicted to result in an absent or altered protein product. Loss of function is an established disease mechanism for CNNM2-associated disorders. Also, this variant is rare in population databases. The currently available literature and clinical evidence are not sufficient to establish a definitive association between this variant and the reported condition. Therefore, this variant is classified as a variant of uncertain significance.